The following is an entry in ClinVar:

ClinVar aggregate classification (germline): Pathogenic (1 of 4 stars; one submission).

Conditions:
Hereditary cancer-predisposing syndrome. Also called: Tumor predisposition; Hereditary neoplastic syndrome; Neoplastic Syndromes, Hereditary; Hereditary Cancer Syndrome. Identifiers: Orphanet 140162, MedGen C0027672, MeSH D009386, MONDO:0015356.

gnomAD v4.1: 2 of 1,605,958 alleles (0.00012%); highest among the groups gnomAD compares: Non-Finnish European, 0.00017%; no homozygotes.

Submission:

Ambry Genetics
Classification: Pathogenic for Hereditary cancer-predisposing syndrome. Last evaluated: 2025-05-19. Review status: criteria provided, single submitter. Criteria: Ambry Variant Classification Scheme 2023. Collection method: clinical testing. Allele origin: germline.
Comment: The p.E612* pathogenic mutation (also known as c.1834G>T), located in coding exon 9 of the BRCA2 gene, results from a G to T substitution at nucleotide position 1834. This changes the amino acid from a glutamic acid to a stop codon within coding exon 9. This variant is considered to be rare based on population cohorts in the Genome Aggregation Database (gnomAD). This alteration is expected to result in loss of function by premature protein truncation or nonsense-mediated mRNA decay. As such, this alteration is interpreted as a disease-causing mutation.

NM_000059.4(BRCA2):c.1834G>T (p.Glu612Ter)

Gene: BRCA2 (BRCA2 DNA repair associated; plus strand). Cytogenetic location: 13q13.1.
Variant type: single nucleotide variant.
Coding change: c.1834G>T on transcript NM_000059.4 (MANE Select); coding-DNA position 1834, G replaced by T.
Protein change: p.Glu612Ter; replaces glutamic acid 612 with a stop codon.
Molecular consequence: nonsense.
Genome position (GRCh38, 1-based): chr13:32,333,312, G>T. VCF-style: chr13-32333312-G-T. GRCh37 (hg19) VCF-style: chr13-32907449-G-T.
Other names: c.1834G>T (NM_000059.3); short protein forms E612*.
Identifiers: ClinVar variation 3992675 (VCV003992675.1).
Genomic context (GRCh38, chr13:32,333,312, plus strand): 5'-TATGCTATACATGATGAAACATCTTATAAAGGAAAAAAAATACCGAAAGACCAAAAATCA[G>T]AACTAATTAACTGTTCAGCCCAGTTTGAAGCAAATGCTTTTGAAGCACCACTTACATTTG-3'